The following is an entry in ClinVar:

ClinVar aggregate classification (germline): Benign. Review status: criteria provided, single submitter (1 of 4 stars). 2 submissions from 2 submitters: Benign (1). 1 of the submissions does not count toward it. Last evaluated 2026-08-01.

Conditions:
DNAH2-related disorder. Also called: DNAH2-related condition.

Allele frequency attached by ClinVar (database versions not stated): 1000 Genomes Project 0.00300; 1000 Genomes Project 30x 0.00344; ESP Exome Variant Server 0.00523; TOPMed 0.00559; gnomAD 0.00764; ExAC 0.00769; gnomAD exomes 0.00937.
gnomAD v4.1: 14,726 of 1,614,012 alleles (0.91%); highest among the groups gnomAD compares: Non-Finnish European, 1%; 99 homozygotes.

Submissions (2):

CeGaT Center for Human Genetics Tuebingen
Classification: Benign. Last evaluated: 2026-08-01. Review status: criteria provided, single submitter. Criteria: CeGaT Center For Human Genetics Tuebingen Variant Classification Criteria Version 2. Collection method: clinical testing. Allele origin: germline. Affected: yes. Observed: 6 variant alleles.
Comment: DNAH2: BP4, BP7, BS1, BS2

PreventionGenetics, part of Exact Sciences
Classification: Benign for DNAH2-related condition. Last evaluated: 2024-03-12. Review status: no assertion criteria provided. Collection method: clinical testing. Allele origin: germline. Not counted in ClinVar's aggregate classification.
Comment: This variant is classified as benign based on ACMG/AMP sequence variant interpretation guidelines (Richards et al. 2015 PMID: 25741868, with internal and published modifications).

NM_020877.5(DNAH2):c.6264C>T (p.Ser2088=)

Gene: DNAH2 (dynein axonemal heavy chain 2; plus strand). Cytogenetic location: 17p13.1.
Variant type: single nucleotide variant.
Coding change: c.6264C>T on transcript NM_020877.5 (MANE Select); coding-DNA position 6264, C replaced by T.
Protein change: p.Ser2088=; no amino-acid change (serine 2088 retained).
Molecular consequence: synonymous variant.
Genome position (GRCh38, 1-based): chr17:7,786,258, C>T. VCF-style: chr17-7786258-C-T. GRCh37 (hg19) VCF-style: chr17-7689576-C-T.
Other names: c.6264C>T (NM_020877.3).
Identifiers: ClinVar variation 2647376 (VCV002647376.25), dbSNP rs117091920, ClinGen allele CA8357673.